The following is an entry in ClinVar:

ClinVar aggregate classification (germline): Uncertain significance (1 of 4 stars; one submission).

Conditions:
AGAP2-related disorder. Also called: AGAP2-related condition.

Submission:

PreventionGenetics, part of Exact Sciences
Classification: Uncertain significance for AGAP2-related condition. Last evaluated: 2024-12-10. Review status: criteria provided, single submitter. Criteria: ACMG Guidelines, 2015. Collection method: clinical testing. Allele origin: germline.
Comment: The AGAP2 c.3409C>T variant is predicted to result in premature protein termination (p.Gln1137*). To our knowledge, this variant has not been reported in the literature or in a large population database (gnomAD), indicating this variant is rare. At this time, the clinical significance of this variant is uncertain due to the absence of conclusive functional and genetic evidence.

NM_001122772.3(AGAP2):c.3409C>T (p.Gln1137Ter)

Genes: AGAP2 (ArfGAP with GTPase domain, ankyrin repeat and PH domain 2; minus strand), AGAP2-AS1 (AGAP2 antisense RNA 1; plus strand). Cytogenetic location: 12q14.1.
Variant type: single nucleotide variant.
Coding change: c.3409C>T on transcript NM_001122772.3 (MANE Select); coding-DNA position 3409, C replaced by T.
Protein change: p.Gln1137Ter; replaces glutamine 1137 with a stop codon.
Molecular consequence: nonsense.
Genome position (GRCh38, 1-based): chr12:57,726,722, G>A on the plus strand (C>T on the coding strand, the complement: AGAP2 is on the minus strand). VCF-style: chr12-57726722-G-A. GRCh37 (hg19) VCF-style: chr12-58120505-G-A.
Other names: c.2341C>T, p.Gln781Ter (NM_014770.4); short protein forms Q781*, Q1137*.
Identifiers: ClinVar variation 4999289 (VCV004999289.1).